The following is an entry in ClinVar:

NM_000260.4(MYO7A):c.6082A>T (p.Lys2028Ter)

Gene: MYO7A (myosin VIIA; plus strand). Cytogenetic location: 11q13.5.
Variant type: single nucleotide variant.
Coding change: c.6082A>T on transcript NM_000260.4 (MANE Select); coding-DNA position 6082, A replaced by T.
Protein change: p.Lys2028Ter; replaces lysine 2028 with a stop codon.
Molecular consequence: nonsense.
Genome position (GRCh38, 1-based): chr11:77,211,182, A>T. VCF-style: chr11-77211182-A-T. GRCh37 (hg19) VCF-style: chr11-76922227-A-T.
Other names: c.5968A>T, p.Lys1990Ter (NM_001127180.2); c.5935A>T, p.Lys1979Ter (NM_001369365.1); short protein forms K1979*, K1990*, K2028*.
Identifiers: ClinVar variation 2635215 (VCV002635215.1), dbSNP rs2497798555, ClinGen allele CA381935588.

ClinVar aggregate classification (germline): Likely pathogenic (1 of 4 stars; one submission).

Conditions:
MYO7A-related disorder. Also called: MYO7A-related disorders.

gnomAD v4.1: 3 of 1,591,822 alleles (0.00019%); highest among the groups gnomAD compares: Non-Finnish European, 0.00026%; no homozygotes.

Submission:

PreventionGenetics, part of Exact Sciences
Classification: Likely pathogenic for MYO7A-related condition. Last evaluated: 2022-11-02. Review status: criteria provided, single submitter. Criteria: ACMG Guidelines, 2015. Collection method: clinical testing. Allele origin: germline.
Comment: The MYO7A c.6082A>T variant is predicted to result in premature protein termination (p.Lys2028*). To our knowledge, this variant has not been reported in the literature or in a large population database, indicating this variant is rare. Nonsense variants in MYO7A are expected to be pathogenic. This variant is interpreted as likely pathogenic.